The following is an entry in ClinVar:

NM_020549.5(CHAT):c.1835T>C (p.Val612Ala)

Gene: CHAT (choline O-acetyltransferase; plus strand). Cytogenetic location: 10q11.23.
Variant type: single nucleotide variant.
Coding change: c.1835T>C on transcript NM_020549.5 (MANE Select); coding-DNA position 1835, T replaced by C.
Protein change: p.Val612Ala; replaces valine 612 with alanine.
Molecular consequence: missense variant.
Genome position (GRCh38, 1-based): chr10:49,655,444, T>C. VCF-style: chr10-49655444-T-C. GRCh37 (hg19) VCF-style: chr10-50863490-T-C.
Other names: c.1481T>C, p.Val494Ala (NM_001142929.2, NM_001142934.2, NM_020984.4 and 2 more transcripts); c.1589T>C, p.Val530Ala (NM_001142933.2); short protein forms V494A, V530A, V612A.
Identifiers: ClinVar variation 1481903 (VCV001481903.5), dbSNP rs1840006246, ClinGen allele CA376748925.

ClinVar aggregate classification (germline): Uncertain significance (1 of 4 stars; one submission).

Conditions:
Familial infantile myasthenia (CMS6). Also called: Congenital myasthenic syndrome type 6; MYASTHENIC SYNDROME, PRESYNAPTIC, CONGENITAL, ASSOCIATED WITH EPISODIC APNEA; MYASTHENIC SYNDROME, CONGENITAL, 6, PRESYNAPTIC. Identifiers: Orphanet 590, MedGen C0393929, MONDO:0009689, OMIM 254210.

Allele frequency attached by ClinVar (database versions not stated): gnomAD exomes 0.00001.
gnomAD v4.1: 4 of 1,613,786 alleles (0.00025%); highest among the groups gnomAD compares: Admixed American, 0.005%; no homozygotes.

Submission:

Labcorp Genetics (formerly Invitae), Labcorp
Classification: Uncertain significance for Familial infantile myasthenia. Last evaluated: 2021-09-01. Review status: criteria provided, single submitter. Criteria: Invitae Variant Classification Sherloc (09022015). Collection method: clinical testing. Allele origin: germline.
Comment: This sequence change replaces valine with alanine at codon 612 of the CHAT protein (p.Val612Ala). The valine residue is moderately conserved and there is a small physicochemical difference between valine and alanine. This variant is not present in population databases (ExAC no frequency). This variant has not been reported in the literature in individuals affected with CHAT-related conditions. Advanced modeling of protein sequence and biophysical properties (such as structural, functional, and spatial information, amino acid conservation, physicochemical variation, residue mobility, and thermodynamic stability) performed at Invitae indicates that this missense variant is not expected to disrupt CHAT protein function. In summary, the available evidence is currently insufficient to determine the role of this variant in disease. Therefore, it has been classified as a Variant of Uncertain Significance.